The following is an entry in ClinVar:

NM_000321.3(RB1):c.2252C>A (p.Ser751Tyr)

Gene: RB1 (RB transcriptional corepressor 1; plus strand). Cytogenetic location: 13q14.2.
Variant type: single nucleotide variant.
Coding change: c.2252C>A on transcript NM_000321.3 (MANE Select); coding-DNA position 2252, C replaced by A.
Protein change: p.Ser751Tyr; replaces serine 751 with tyrosine.
Molecular consequence: missense variant.
Genome position (GRCh38, 1-based): chr13:48,465,038, C>A. VCF-style: chr13-48465038-C-A. GRCh37 (hg19) VCF-style: chr13-49039174-C-A.
Other names: c.2252C>A, p.Ser751Tyr (NM_001407165.1); short protein forms S751Y.
Identifiers: ClinVar variation 5037687 (VCV005037687.1).

ClinVar aggregate classification (germline): Likely pathogenic (1 of 4 stars; one submission).

Submission:

GeneDx
Classification: Likely pathogenic. Last evaluated: 2026-04-12. Review status: criteria provided, single submitter. Criteria: GeneDx Variant Classification Process June 2021. Collection method: clinical testing. Allele origin: germline.
Comment: Not observed at significant frequency in large population cohorts (gnomAD); In silico analysis supports that this missense variant has a deleterious effect on protein structure/function; This variant is associated with the following publications: (PMID: 23516486, Dayalan_2006_Review, 34456592)